The following is an entry in ClinVar:

NM_004006.3(DMD):c.5190G>T (p.Lys1730Asn)

Gene: DMD (dystrophin; minus strand). Cytogenetic location: Xp21.1.
Variant type: single nucleotide variant.
Coding change: c.5190G>T on transcript NM_004006.3 (MANE Select); coding-DNA position 5190, G replaced by T.
Protein change: p.Lys1730Asn; replaces lysine 1730 with asparagine.
Molecular consequence: missense variant.
Genome position (GRCh38, 1-based): chrX:32,362,923, C>A on the plus strand (G>T on the coding strand, the complement: DMD is on the minus strand). VCF-style: chrX-32362923-C-A. GRCh37 (hg19) VCF-style: chrX-32381040-C-A.
Other names: c.5166G>T, p.Lys1722Asn (NM_000109.4); c.5178G>T, p.Lys1726Asn (NM_004009.3); c.4821G>T, p.Lys1607Asn (NM_004010.3); c.1167G>T, p.Lys389Asn (NM_004011.4); c.1158G>T, p.Lys386Asn (NM_004012.4); short protein forms K1607N, K1722N, K1726N, K1730N, K386N, K389N.
Identifiers: ClinVar variation 1012643 (VCV001012643.52), dbSNP rs1395872786, ClinGen allele CA412671320.

ClinVar aggregate classification (germline): Uncertain significance (1 of 4 stars; one submission).

Conditions:
Duchenne muscular dystrophy (DMD). Also called: MUSCULAR DYSTROPHY, PSEUDOHYPERTROPHIC PROGRESSIVE, DUCHENNE TYPE; Duchenne Muscular Dystrophy (DMD). Identifiers: Orphanet 98896, MedGen C0013264, MONDO:0010679, OMIM 310200.

Allele frequency attached by ClinVar (database versions not stated): TOPMed 0.00002.

Submission:

Labcorp Genetics (formerly Invitae), Labcorp
Classification: Uncertain significance for Duchenne muscular dystrophy. Last evaluated: 2024-11-11. Review status: criteria provided, single submitter. Criteria: Invitae Variant Classification Sherloc (09022015). Collection method: clinical testing. Allele origin: germline.
Comment: This sequence change replaces lysine, which is basic and polar, with asparagine, which is neutral and polar, at codon 1730 of the DMD protein (p.Lys1730Asn). This variant is not present in population databases (gnomAD no frequency). This variant has not been reported in the literature in individuals affected with DMD-related conditions. ClinVar contains an entry for this variant (Variation ID: 1012643). Invitae Evidence Modeling of protein sequence and biophysical properties (such as structural, functional, and spatial information, amino acid conservation, physicochemical variation, residue mobility, and thermodynamic stability) indicates that this missense variant is not expected to disrupt DMD protein function with a negative predictive value of 95%. In summary, the available evidence is currently insufficient to determine the role of this variant in disease. Therefore, it has been classified as a Variant of Uncertain Significance.